The following is an entry in ClinVar:

NM_000053.4(ATP7B):c.3208C>T (p.Pro1070Ser)

Gene: ATP7B (ATPase copper transporting beta; minus strand). Cytogenetic location: 13q14.3.
Variant type: single nucleotide variant.
Coding change: c.3208C>T on transcript NM_000053.4 (MANE Select); coding-DNA position 3208, C replaced by T.
Protein change: p.Pro1070Ser; replaces proline 1070 with serine.
Molecular consequence: missense variant.
Genome position (GRCh38, 1-based): chr13:51,944,144, G>A on the plus strand (C>T on the coding strand, the complement: ATP7B is on the minus strand). VCF-style: chr13-51944144-G-A. GRCh37 (hg19) VCF-style: chr13-52518280-G-A.
Other names: c.2587C>T, p.Pro863Ser (NM_001005918.3); c.2875C>T, p.Pro959Ser (NM_001243182.2); c.2974C>T, p.Pro992Ser (NM_001330578.2); c.2956C>T, p.Pro986Ser (NM_001330579.2); short protein forms P1070S, P959S, P986S, P992S, P863S.
Identifiers: ClinVar variation 550837 (VCV000550837.3), dbSNP rs1423701688, ClinGen allele CA388029870.

ClinVar aggregate classification (germline): Uncertain significance. Review status: criteria provided, single submitter (1 of 4 stars). 2 submissions from 2 submitters: Uncertain significance (1). 1 of the submissions does not count toward it. Last evaluated 2023-11-30.

Conditions:
Wilson disease (WND). Also called: Wilson's disease. Identifiers: Orphanet 905, MedGen C0019202, MONDO:0010200, OMIM 277900. Disease mechanism: loss of function.

Allele frequency attached by ClinVar (database versions not stated): gnomAD exomes below 0.00001 and 0.00001; gnomAD 0.00001; TOPMed 0.00001.
gnomAD v4.1: 12 of 1,613,990 alleles (0.00074%); highest among the groups gnomAD compares: Admixed American, 0.0017%; no homozygotes.

Submissions (2):

All of Us Research Program, National Institutes of Health
Classification: Uncertain significance for Wilson disease. Last evaluated: 2023-11-30. Review status: criteria provided, single submitter. Criteria: ACMG Guidelines, 2015. Collection method: clinical testing. Allele origin: germline. Inheritance: Autosomal recessive inheritance. Observed: 4 variant alleles, 4 heterozygotes.
Comment: This missense variant replaces proline with serine at codon 1070 of the ATP7B protein. Computational prediction suggests that this variant may have deleterious impact on protein structure and function (internally defined REVEL score threshold >= 0.7, PMID: 27666373). To our knowledge, functional studies have not been reported for this variant. This variant has not been reported in individuals affected with wilson disease in the literature. This variant has been identified in 1/249382 chromosomes in the general population by the Genome Aggregation Database (gnomAD). The available evidence is insufficient to determine the role of this variant in disease conclusively. Therefore, this variant is classified as a Variant of Uncertain Significance.

This study involves interpretation of variants in research participants for the purpose of population health screening. Participant phenotype was not available at the time of variant classification. Additional details can be found in publication PMID: 35346344, PMCID: PMC8962531

Counsyl
Classification: Uncertain significance for Wilson disease. Last evaluated: 2017-02-23. Review status: no assertion criteria provided. Collection method: clinical testing. Allele origin: unknown. Not counted in ClinVar's aggregate classification.